The following is an entry in ClinVar:

ClinVar aggregate classification (germline): Benign/Likely benign. Review status: criteria provided, multiple submitters, no conflicts (2 of 4 stars). 4 submissions from 4 submitters: Benign (1); Likely benign (3). Last evaluated 2025-08-31.

Conditions:
PRPF8-related disorder. Also called: PRPF8-related condition.

Allele frequency attached by ClinVar (database versions not stated): gnomAD 0.00003; TOPMed 0.00008; gnomAD exomes 0.00027; ExAC 0.00030.
gnomAD v4.1: 79 of 1,613,844 alleles (0.0049%); highest among the groups gnomAD compares: Admixed American, 0.13%; 1 homozygote.

Submissions (4):

Labcorp Genetics (formerly Invitae), Labcorp
Classification: Benign. Last evaluated: 2025-08-31. Review status: criteria provided, single submitter. Criteria: Invitae Variant Classification Sherloc (09022015). Collection method: clinical testing. Allele origin: germline.

PreventionGenetics, part of Exact Sciences
Classification: Likely benign for PRPF8-related condition. Last evaluated: 2025-06-12. Review status: criteria provided, single submitter. Criteria: ACMG Guidelines, 2015. Collection method: clinical testing. Allele origin: germline.
Comment: This variant is classified as likely benign based on ACMG/AMP sequence variant interpretation guidelines (Richards et al. 2015 PMID: 25741868, with internal and published modifications).

Blueprint Genetics
Classification: Likely benign. Last evaluated: 2020-02-04. Review status: criteria provided, single submitter. Criteria: ACMG Guidelines, 2015. Collection method: clinical testing. Allele origin: germline.

Eurofins Ntd Llc (ga)
Classification: Likely benign. Last evaluated: 2017-01-19. Review status: criteria provided, single submitter. Criteria: EGL Classification Definitions 2015. Collection method: clinical testing. Allele origin: germline. Observed: 1 variant allele, 1 heterozygote.

NM_006445.4(PRPF8):c.2619C>T (p.Asn873=)

Gene: PRPF8 (pre-mRNA processing factor 8; minus strand). Cytogenetic location: 17p13.3.
Variant type: single nucleotide variant.
Coding change: c.2619C>T on transcript NM_006445.4 (MANE Select); coding-DNA position 2619, C replaced by T.
Protein change: p.Asn873=; no amino-acid change (asparagine 873 retained).
Molecular consequence: synonymous variant.
Genome position (GRCh38, 1-based): chr17:1,675,988, G>A on the plus strand (C>T on the coding strand, the complement: PRPF8 is on the minus strand). VCF-style: chr17-1675988-G-A. GRCh37 (hg19) VCF-style: chr17-1579282-G-A.
Other names: c.2619C>T (NM_006445.3).
Identifiers: ClinVar variation 499585 (VCV000499585.14), dbSNP rs760867601, ClinGen allele CA8272082.
Genomic context (GRCh38, chr17:1,675,988, plus strand): 5'-CTCTTTGAAGGCTCTCTGTGTGAGGAGGTGACGCTTGATGCGGGACAGCGCCTCGTGGGG[G>A]TTATCGTAGGCCTGCTCGATCAGACCTAGCTCCTCCCTCTGAGACTGGTTCAACCGAGAC-3'
Protein context (NP_006436.3, residues 863-883): ELGLIEQAYD[Asn873=]PHEALSRIKR